The following is an entry in ClinVar:

ClinVar aggregate classification (germline): Uncertain significance (1 of 4 stars; one submission).

Conditions:
Familial X-linked hypophosphatemic vitamin D refractory rickets (XLHRD). Also called: HYPOPHOSPHATEMIC VITAMIN D-RESISTANT RICKETS; Hypophosphatemic Rickets, X-Linked Dominant; Hypophosphatemia, vitamin D-resistant rickets; Vitamin D-resistant rickets, X-linked; X-Linked Hypophosphatemia. Identifiers: Orphanet 89936, MedGen C0733682, MONDO:0010619, OMIM 307800.

Submission:

Dasa
Classification: Uncertain significance for X-linked dominant hypophosphatemic rickets. Last evaluated: 2026-01-06. Review status: criteria provided, single submitter. Criteria: DASA Assertion Criteria. Collection method: clinical testing. Allele origin: germline.
Comment: NM_000444.6(PHEX):c.2080A>G (p.Asn694Asp) is a missense variant that results in the substitution of asparagine with aspartic acid. The affected residue or protein region has prior evidence supporting clinical relevance. This variant is rare in population databases. The currently available literature and clinical evidence are not sufficient to establish a definitive association between this variant and the reported condition. Therefore, this variant is classified as a variant of uncertain significance.

NM_000444.6(PHEX):c.2080A>G (p.Asn694Asp)

Genes: PHEX (phosphate regulating endopeptidase X-linked; plus strand), PTCHD1-AS (PTCHD1 and PHEX antisense RNA; minus strand). Cytogenetic location: Xp22.11.
Variant type: single nucleotide variant.
Coding change: c.2080A>G on transcript NM_000444.6 (MANE Select); coding-DNA position 2080, A replaced by G.
Protein change: p.Asn694Asp; replaces asparagine 694 with aspartic acid.
Molecular consequence: missense variant. On other transcripts: intron variant (1).
Genome position (GRCh38, 1-based): chrX:22,245,342, A>G. VCF-style: chrX-22245342-A-G. GRCh37 (hg19) VCF-style: chrX-22263459-A-G.
Other names: c.2071-2509A>G (NM_001282754.2); short protein forms N694D.
Identifiers: ClinVar variation 4882378 (VCV004882378.2).